The following is an entry in ClinVar:

ClinVar aggregate classification (germline): Uncertain significance (1 of 4 stars; one submission).

Conditions:
Atrial fibrillation, familial, 7 (ATFB7). Identifiers: MedGen C2677106, MONDO:0012828, OMIM 612240.

Submission:

Labcorp Genetics (formerly Invitae), Labcorp
Classification: Uncertain significance for Atrial fibrillation, familial, 7. Last evaluated: 2022-02-08. Review status: criteria provided, single submitter. Criteria: Invitae Variant Classification Sherloc (09022015). Collection method: clinical testing. Allele origin: germline.
Comment: This variant is not present in population databases (gnomAD no frequency). This sequence change replaces leucine, which is neutral and non-polar, with methionine, which is neutral and non-polar, at codon 372 of the KCNA5 protein (p.Leu372Met). This variant has not been reported in the literature in individuals affected with KCNA5-related conditions. Algorithms developed to predict the effect of missense changes on protein structure and function are either unavailable or do not agree on the potential impact of this missense change (SIFT: "Deleterious"; PolyPhen-2: "Probably Damaging"; Align-GVGD: "Class C0"). In summary, the available evidence is currently insufficient to determine the role of this variant in disease. Therefore, it has been classified as a Variant of Uncertain Significance.

NM_002234.4(KCNA5):c.1114C>A (p.Leu372Met)

Gene: KCNA5 (potassium voltage-gated channel subfamily A member 5; plus strand). Cytogenetic location: 12p13.32.
Variant type: single nucleotide variant.
Coding change: c.1114C>A on transcript NM_002234.4 (MANE Select); coding-DNA position 1114, C replaced by A.
Protein change: p.Leu372Met; replaces leucine 372 with methionine.
Molecular consequence: missense variant.
Genome position (GRCh38, 1-based): chr12:5,045,261, C>A. VCF-style: chr12-5045261-C-A. GRCh37 (hg19) VCF-style: chr12-5154427-C-A.
Other names: short protein forms L372M.
Identifiers: ClinVar variation 1481109 (VCV001481109.8), dbSNP rs1047059016, ClinGen allele CA383465810.
Genomic context (GRCh38, chr12:5,045,261, plus strand): 5'-TTCTCCCGGAACATCATGAACATCATCGATGTGGTGGCCATCTTCCCCTACTTCATCACC[C>A]TGGGCACCGAACTGGCAGAGCAGCAGCCAGGGGGTGGAGGAGGCGGCCAGAATGGGCAGC-3'
Protein context (NP_002225.2, residues 362-382): VVAIFPYFIT[Leu372Met]GTELAEQQPG